The following is an entry in ClinVar:

ClinVar aggregate classification (germline): Uncertain significance (1 of 4 stars; one submission).

Submission:

Labcorp Genetics (formerly Invitae), Labcorp
Classification: Uncertain significance. Last evaluated: 2023-10-17. Review status: criteria provided, single submitter. Criteria: Invitae Variant Classification Sherloc (09022015). Collection method: clinical testing. Allele origin: germline.
Comment: This sequence change creates a premature translational stop signal (p.Gln296*) in the MMP14 gene. It is expected to result in an absent or disrupted protein product. However, the current clinical and genetic evidence is not sufficient to establish whether loss-of-function variants in MMP14 cause disease. This variant is not present in population databases (gnomAD no frequency). This variant has not been reported in the literature in individuals affected with MMP14-related conditions. In summary, the available evidence is currently insufficient to determine the role of this variant in disease. Therefore, it has been classified as a Variant of Uncertain Significance.

NM_004995.4(MMP14):c.886C>T (p.Gln296Ter)

Gene: MMP14 (matrix metallopeptidase 14; plus strand). Cytogenetic location: 14q11.2.
Variant type: single nucleotide variant.
Coding change: c.886C>T on transcript NM_004995.4 (MANE Select); coding-DNA position 886, C replaced by T.
Protein change: p.Gln296Ter; replaces glutamine 296 with a stop codon.
Molecular consequence: nonsense.
Genome position (GRCh38, 1-based): chr14:22,843,745, C>T. VCF-style: chr14-22843745-C-T. GRCh37 (hg19) VCF-style: chr14-23312954-C-T.
Other names: short protein forms Q296*.
Identifiers: ClinVar variation 2769630 (VCV002769630.3), dbSNP rs2502067357, ClinGen allele CA388931263.
Genomic context (GRCh38, chr14:22,843,745, plus strand): 5'-ATGCCCCTCGTGTTTTCTGCCCCAGGGGGTGAGTCAGGGTTCCCCACCAAGATGCCCCCT[C>T]AACCCAGGACTACCTCCCGGCCTTCTGTTCCTGATAAACCCAAAAACCCCACCTATGGGC-3'